The following is an entry in ClinVar:

NM_001365276.2(TNXB):c.9661_9663delinsTTT (p.Val3221Phe)

Gene: TNXB (tenascin XB; minus strand). Cytogenetic location: 6p21.33.
Variant type: Indel.
Coding change: c.9661_9663delinsTTT on transcript NM_001365276.2 (MANE Select); coding-DNA positions 9661 to 9663, GTG replaced by TTT.
Protein change: p.Val3221Phe; replaces valine 3221 with phenylalanine.
Molecular consequence: missense variant.
Genome position (GRCh38, 1-based): chr6:32,049,364-32,049,366, CAC replaced by AAA on the plus strand (GTG replaced by TTT on the coding strand, the reverse complement: TNXB is on the minus strand). VCF-style: chr6-32049364-CAC-AAA. GRCh37 (hg19) VCF-style: chr6-32017141-CAC-AAA.
Other names: c.10402_10404delinsTTT, p.Val3468Phe (NM_001428335.1); c.9655_9657delinsTTT, p.Val3219Phe (NM_019105.8); short protein forms V3219F, V3221F, V3468F.
Identifiers: ClinVar variation 3459743 (VCV003459743.1).

ClinVar aggregate classification (germline): Uncertain significance (1 of 4 stars; one submission).

Conditions:
Cardiovascular phenotype. Identifiers: MedGen CN230736.

Submission:

Ambry Genetics
Classification: Uncertain significance for Cardiovascular phenotype. Last evaluated: 2024-07-10. Review status: criteria provided, single submitter. Criteria: Ambry Variant Classification Scheme 2023. Collection method: clinical testing. Allele origin: germline.
Comment: The c.9655_9657delGTGinsTTT variant (also known as p.V3219F), located in coding exon 27 of the TNXB gene, results from an in-frame deletion of GTG and insertion of TTT at nucleotide positions 9655 to 9657. This results in the substitution of the valine residue for a phenylalanine residue at codon 3219, an amino acid with highly similar properties. This amino acid position is not well conserved in available vertebrate species. In addition, the in silico prediction for this alteration is inconclusive (Choi Y et al. PLoS ONE. 2012; 7(10):e46688). Based on the available evidence, the clinical significance of this variant remains unclear.